The following is an entry in ClinVar:

NM_004304.5(ALK):c.3727A>G (p.Asn1243Asp)

Gene: ALK (ALK receptor tyrosine kinase; minus strand). Cytogenetic location: 2p23.2.
Variant type: single nucleotide variant.
Coding change: c.3727A>G on transcript NM_004304.5 (MANE Select); coding-DNA position 3727, A replaced by G.
Protein change: p.Asn1243Asp; replaces asparagine 1243 with aspartic acid.
Molecular consequence: missense variant.
Genome position (GRCh38, 1-based): chr2:29,214,000, T>C on the plus strand (A>G on the coding strand, the complement: ALK is on the minus strand). VCF-style: chr2-29214000-T-C. GRCh37 (hg19) VCF-style: chr2-29436866-T-C.
Other names: c.523A>G, p.Asn175Asp (NM_001353765.2); short protein forms N1243D, N175D.
Identifiers: ClinVar variation 4680279 (VCV004680279.1).

ClinVar aggregate classification (germline): Uncertain significance (1 of 4 stars; one submission).

Conditions:
Hereditary cancer-predisposing syndrome. Also called: Neoplastic Syndromes, Hereditary; Tumor predisposition; Hereditary Cancer Syndrome; Hereditary neoplastic syndrome. Identifiers: Orphanet 140162, MedGen C0027672, MeSH D009386, MONDO:0015356.

Submission:

Ambry Genetics
Classification: Uncertain significance for Hereditary cancer-predisposing syndrome. Last evaluated: 2025-11-19. Review status: criteria provided, single submitter. Criteria: Ambry Variant Classification Scheme 2023. Collection method: clinical testing. Allele origin: germline.
Comment: The p.N1243D variant (also known as c.3727A>G), located in coding exon 24 of the ALK gene, results from an A to G substitution at nucleotide position 3727. The asparagine at codon 1243 is replaced by aspartic acid, an amino acid with highly similar properties. This amino acid position is conserved. In addition, the in silico prediction for this alteration is inconclusive. Based on the available evidence, the clinical significance of this variant remains unclear.